The following is an entry in ClinVar:

ClinVar aggregate classification (germline): Pathogenic/Likely pathogenic. Review status: criteria provided, multiple submitters, no conflicts (2 of 4 stars). 3 submissions from 3 submitters: Pathogenic (2); Likely pathogenic (1). Last evaluated 2024-12-30.

Conditions:
NF1-related disorder. Also called: NF1-related condition. Identifiers: MedGen CN379171.
Neurofibromatosis, type 1 (NF1). Also called: NEUROFIBROMATOSIS, TYPE I, SOMATIC; Peripheral type neurofibromatosis; VON RECKLINGHAUSEN DISEASE; Neurofibromatosis, type I. Identifiers: Orphanet 636, MedGen C0027831, MONDO:0018975, OMIM 162200. Disease mechanism: loss of function.

Submissions (3):

3billion
Classification: Pathogenic for Neurofibromatosis, type 1. Last evaluated: 2024-12-30. Review status: criteria provided, single submitter. Criteria: ACMG Guidelines, 2015. Collection method: clinical testing. Allele origin: germline. Affected: yes.
Comment: The variant is not observed in the gnomAD v4.1.0 dataset. Predicted Consequence/Location: Frameshift: predicted to result in a loss or disruption of normal protein function through nonsense-mediated decay (NMD) or protein truncation. Multiple pathogenic variants are reported downstream of the variant. The variant has been reported to be associated with NF1-related disorder (ClinVar ID: VCV000188397). Therefore, this variant is classified as Pathogenic according to the recommendation of ACMG/AMP guideline.

Blueprint Genetics
Classification: Likely pathogenic for NF1-related disorders. Last evaluated: 2024-07-19. Review status: criteria provided, single submitter. Criteria: ACMG Guidelines, 2015. Collection method: clinical testing. Allele origin: germline. Affected: yes. Observed: 1 variant allele.

Labcorp Genetics (formerly Invitae), Labcorp
Classification: Pathogenic for Neurofibromatosis, type 1. Last evaluated: 2024-05-21. Review status: criteria provided, single submitter. Criteria: Invitae Variant Classification Sherloc (09022015). Collection method: clinical testing. Allele origin: germline.
Comment: This sequence change creates a premature translational stop signal (p.Tyr580Leufs*8) in the NF1 gene. It is expected to result in an absent or disrupted protein product. Loss-of-function variants in NF1 are known to be pathogenic (PMID: 10712197, 23913538). This variant is not present in population databases (gnomAD no frequency). This variant has not been reported in the literature in individuals affected with NF1-related conditions. ClinVar contains an entry for this variant (Variation ID: 188397). For these reasons, this variant has been classified as Pathogenic.

Literature cited by the submitters: PubMed 10712197 (cited by Labcorp Genetics (formerly Invitae), Labcorp); PubMed 23913538 (cited by Labcorp Genetics (formerly Invitae), Labcorp).

NM_001042492.3(NF1):c.1738dup (p.Tyr580fs)

Gene: NF1 (neurofibromin 1; plus strand). Cytogenetic location: 17q11.2.
Variant type: Duplication.
Coding change: c.1738dup on transcript NM_001042492.3 (MANE Select); coding-DNA position 1738, one base duplicated (T; older notation c.1738dupT).
Protein change: p.Tyr580fs; shifts the reading frame from tyrosine 580.
Molecular consequence: frameshift variant.
Genome position (GRCh38, 1-based): chr17:31,223,460, T duplicated; the last of 6 consecutive T bases (chr17:31,223,455-31,223,460); duplicating any one gives the same sequence. VCF-style (leftmost placement, unchanged base first): chr17-31223454-C-CT. GRCh37 (hg19) VCF-style: chr17-29550472-C-CT.
Other names: c.1738dupT (NM_000267.3); c.1738dup, p.Tyr580Leufs (NM_000267.4); short protein forms Y580fs.
Identifiers: ClinVar variation 188397 (VCV000188397.8), dbSNP rs786204255, ClinGen allele CA334783.